The following is an entry in ClinVar:

NM_001122955.4(BSCL2):c.116A>G (p.Gln39Arg)

Genes: BSCL2 (BSCL2 lipid droplet biogenesis associated, seipin; minus strand), HNRNPUL2-BSCL2 (HNRNPUL2-BSCL2 readthrough (NMD candidate); minus strand). Cytogenetic location: 11q12.3.
Variant type: single nucleotide variant.
Coding change: c.116A>G on transcript NM_001122955.4 (MANE Select); coding-DNA position 116, A replaced by G.
Protein change: p.Gln39Arg; replaces glutamine 39 with arginine.
Molecular consequence: missense variant. On other transcripts: non-coding transcript variant (1), 5 prime UTR variant (2).
Genome position (GRCh38, 1-based): chr11:62,705,589, T>C on the plus strand (A>G on the coding strand, the complement: BSCL2 is on the minus strand). VCF-style: chr11-62705589-T-C. GRCh37 (hg19) VCF-style: chr11-62473061-T-C.
Other names: c.-77A>G (NM_001130702.2, NM_032667.6); c.116A>G, p.Gln39Arg (NM_001386027.1, NM_001386028.1); short protein forms Q39R.
Identifiers: ClinVar variation 4980371 (VCV004980371.1).

ClinVar aggregate classification (germline): Likely benign (1 of 4 stars; one submission).

Conditions:
BSCL2-related disorder. Also called: BSCL2-related condition; BSCL2-Related Disorders.

gnomAD v4.1: 154 of 1,562,892 alleles (0.0099%); highest among the groups gnomAD compares: South Asian, 0.17%; 1 homozygote.

Submission:

PreventionGenetics, part of Exact Sciences
Classification: Likely benign for BSCL2-related condition. Last evaluated: 2026-06-12. Review status: criteria provided, single submitter. Criteria: ACMG Guidelines, 2015. Collection method: clinical testing. Allele origin: germline.
Comment: This variant is classified as likely benign based on ACMG/AMP sequence variant interpretation guidelines (Richards et al. 2015 PMID: 25741868, with internal and published modifications).